The following is an entry in ClinVar:

ClinVar aggregate classification (germline): Uncertain significance (1 of 4 stars; one submission).

Conditions:
Long QT syndrome (LQTS). Identifiers: MedGen C0023976, MeSH D008133, MONDO:0002442. Disease mechanism: loss of function. Inheritance: Various modes of inheritance.

Submission:

Labcorp Genetics (formerly Invitae), Labcorp
Classification: Uncertain significance for Long QT syndrome. Last evaluated: 2024-04-15. Review status: criteria provided, single submitter. Criteria: Invitae Variant Classification Sherloc (09022015). Collection method: clinical testing. Allele origin: germline.
Comment: This sequence change replaces serine, which is neutral and polar, with threonine, which is neutral and polar, at codon 654 of the KCNH2 protein (p.Ser654Thr). This variant is not present in population databases (gnomAD no frequency). This variant has not been reported in the literature in individuals affected with KCNH2-related conditions. An algorithm developed to predict the effect of missense changes on protein structure and function (PolyPhen-2) suggests that this variant is likely to be disruptive. In summary, the available evidence is currently insufficient to determine the role of this variant in disease. Therefore, it has been classified as a Variant of Uncertain Significance.

NM_000238.4(KCNH2):c.1961G>C (p.Ser654Thr)

Gene: KCNH2 (potassium voltage-gated channel subfamily H member 2; minus strand). Cytogenetic location: 7q36.1.
Variant type: single nucleotide variant.
Coding change: c.1961G>C on transcript NM_000238.4 (MANE Select); coding-DNA position 1961, G replaced by C.
Protein change: p.Ser654Thr; replaces serine 654 with threonine.
Molecular consequence: missense variant. On other transcripts: non-coding transcript variant (2).
Genome position (GRCh38, 1-based): chr7:150,951,105, C>G on the plus strand (G>C on the coding strand, the complement: KCNH2 is on the minus strand). VCF-style: chr7-150951105-C-G. GRCh37 (hg19) VCF-style: chr7-150648193-C-G.
Other names: c.941G>C, p.Ser314Thr (NM_001204798.2, NM_172057.3); c.1673G>C, p.Ser558Thr (NM_001406753.1, NM_001406756.1); c.1784G>C, p.Ser595Thr (NM_001406755.1); c.1661G>C, p.Ser554Thr (NM_001406757.1); c.1961G>C, p.Ser654Thr (NM_172056.3); short protein forms S314T, S654T, S595T, S554T, S558T.
Identifiers: ClinVar variation 3649916 (VCV003649916.2).